The following is an entry in ClinVar:

NM_001142800.2(EYS):c.9221A>C (p.Lys3074Thr)

Genes: EYS (EGF-like photoreceptor maintenance factor; minus strand), PHF3 (PHD finger protein 3; plus strand). Cytogenetic location: 6q12.
Variant type: single nucleotide variant.
Coding change: c.9221A>C on transcript NM_001142800.2 (MANE Select); coding-DNA position 9221, A replaced by C.
Protein change: p.Lys3074Thr; replaces lysine 3074 with threonine.
Molecular consequence: missense variant. On other transcripts: 3 prime UTR variant (5).
Genome position (GRCh38, 1-based): chr6:63,720,810, T>G on the plus strand (A>C on the coding strand, the complement: EYS is on the minus strand). VCF-style: chr6-63720810-T-G. GRCh37 (hg19) VCF-style: chr6-64430706-T-G.
Other names: c.*7102T>G (NM_001290259.2, NM_001370348.2, NM_001370349.2 and 2 more transcripts); c.9284A>C, p.Lys3095Thr (NM_001292009.2); c.9221A>C (NM_001142800.1); short protein forms K3074T, K3095T.
Identifiers: ClinVar variation 1431007 (VCV001431007.9), dbSNP rs1768349838, ClinGen allele CA364382977.

ClinVar aggregate classification (germline): Uncertain significance. Review status: criteria provided, multiple submitters, no conflicts (2 of 4 stars). 2 submissions from 2 submitters: Uncertain significance (2). Last evaluated 2024-08-10.

Conditions:
Inborn genetic diseases. Identifiers: MedGen C0950123, MeSH D030342.

Allele frequency attached by ClinVar (database versions not stated): gnomAD exomes below 0.00001; TOPMed below 0.00001.
gnomAD v4.1: 1 of 1,551,058 alleles (0.000064%); highest among the groups gnomAD compares: Admixed American, 0.002%; no homozygotes.

Submissions (2):

Ambry Genetics
Classification: Uncertain significance for Inborn genetic diseases. Last evaluated: 2024-08-10. Review status: criteria provided, single submitter. Criteria: Ambry Variant Classification Scheme 2023. Collection method: clinical testing. Allele origin: germline.

Labcorp Genetics (formerly Invitae), Labcorp
Classification: Uncertain significance. Last evaluated: 2022-07-12. Review status: criteria provided, single submitter. Criteria: Invitae Variant Classification Sherloc (09022015). Collection method: clinical testing. Allele origin: germline.
Comment: In summary, the available evidence is currently insufficient to determine the role of this variant in disease. Therefore, it has been classified as a Variant of Uncertain Significance. Algorithms developed to predict the effect of missense changes on protein structure and function are either unavailable or do not agree on the potential impact of this missense change (SIFT: "Deleterious"; PolyPhen-2: "Possibly Damaging"; Align-GVGD: "Class C0"). ClinVar contains an entry for this variant (Variation ID: 1431007). This variant has not been reported in the literature in individuals affected with EYS-related conditions. This variant is not present in population databases (gnomAD no frequency). This sequence change replaces lysine, which is basic and polar, with threonine, which is neutral and polar, at codon 3074 of the EYS protein (p.Lys3074Thr).